The following is an entry in ClinVar:

ClinVar aggregate classification (germline): Uncertain significance (1 of 4 stars; one submission).

Submission:

GeneDx
Classification: Uncertain significance. Last evaluated: 2025-03-11. Review status: criteria provided, single submitter. Criteria: GeneDx Variant Classification Process June 2021. Collection method: clinical testing. Allele origin: germline. Affected: yes.
Comment: In silico analysis supports that this missense variant has a deleterious effect on protein structure/function; Has not been previously published as pathogenic or benign to our knowledge

NM_001127464.1:c.10336C>T

Gene: ZNF469 (zinc finger protein 469; plus strand).
Variant type: single nucleotide variant.
Identifiers: ClinVar variation 4082553 (VCV004082553.1).